The following is an entry in ClinVar:

ClinVar aggregate classification (germline): Uncertain significance. Review status: criteria provided, multiple submitters, no conflicts (2 of 4 stars). 2 submissions from 2 submitters: Uncertain significance (2). Last evaluated 2026-07-06.

Conditions:
Hereditary cancer-predisposing syndrome. Also called: Hereditary neoplastic syndrome; Hereditary Cancer Syndrome; Neoplastic Syndromes, Hereditary; Tumor predisposition. Identifiers: Orphanet 140162, MedGen C0027672, MeSH D009386, MONDO:0015356.

Allele frequency attached by ClinVar (database versions not stated): gnomAD exomes below 0.00001.
gnomAD v4.1: 1 of 1,614,234 alleles (0.000062%); highest among the groups gnomAD compares: Non-Finnish European, 0.000085%; no homozygotes.

Submissions (2):

Ambry Genetics
Classification: Uncertain significance for Hereditary cancer-predisposing syndrome. Last evaluated: 2026-07-06. Review status: criteria provided, single submitter. Criteria: Ambry Variant Classification Scheme 2023. Collection method: clinical testing. Allele origin: germline.
Comment: The p.I588T variant (also known as c.1763T>C), located in coding exon 16 of the NF2 gene, results from a T to C substitution at nucleotide position 1763. The isoleucine at codon 588 is replaced by threonine, an amino acid with similar properties. This amino acid position is conserved. In addition, the in silico prediction for this alteration is inconclusive. Based on the available evidence, the clinical significance of this variant remains unclear.

GeneDx
Classification: Uncertain significance. Last evaluated: 2023-02-03. Review status: criteria provided, single submitter. Criteria: GeneDx Variant Classification Process June 2021. Collection method: clinical testing. Allele origin: germline. Affected: yes.
Comment: In silico analysis supports that this variant does not alter splicing; Has not been previously published as pathogenic or benign to our knowledge; This variant is associated with the following publications: (PMID: 11756419)

NM_000268.4(NF2):c.1737+1444T>C

Gene: NF2 (NF2, moesin-ezrin-radixin like (MERLIN) tumor suppressor; plus strand). Cytogenetic location: 22q12.2.
Variant type: single nucleotide variant.
Coding change: c.1737+1444T>C on transcript NM_000268.4 (MANE Select); 1444 bases into the intron after coding-DNA position 1737, T replaced by C.
Molecular consequence: intron variant. On other transcripts: missense variant (14).
Genome position (GRCh38, 1-based): chr22:29,683,045, T>C. VCF-style: chr22-29683045-T-C. GRCh37 (hg19) VCF-style: chr22-30079034-T-C.
Other names: c.1514T>C, p.Ile505Thr (NM_181830.3, NM_181831.3, NM_001407063.1); c.1763T>C, p.Ile588Thr (NM_181832.3, NM_001407066.1, NM_016418.5 and 1 more transcripts); c.1623+1444T>C (NM_001407053.1); c.1574+4722T>C (NM_001407060.1); c.1602+1444T>C (NM_001407057.1); c.448-11707T>C (NM_181833.3); c.1614+1444T>C (NM_001407054.1); c.1479+1444T>C (NM_001407062.1); and 9 more; short protein forms I410T, I505T, I511T, I543T, I546T, I547T, I550T, I588T.
Identifiers: ClinVar variation 2574869 (VCV002574869.2), dbSNP rs1334043376, ClinGen allele CA411150622.
Genomic context (GRCh38, chr22:29,683,045, plus strand): 5'-TTTTTGTTTTTCTTCATTTTATTTTGCTGGTTTAGCCTCAAGCCCAAGGCAGAAGACCTA[T>C]CTGCATTTGAGCCCTCAAAGTAGGTTGTTCCCAGGTACTCTCTATGTGGTGATGGTGCTG-3'